The following is an entry in ClinVar:

ClinVar aggregate classification (germline): Uncertain significance (1 of 4 stars; one submission).

Conditions:
Hereditary spastic paraplegia 30. Identifiers: Orphanet 101010, MedGen C5235139, MONDO:0012476.
Neuropathy, hereditary sensory, type 2C. Also called: Hereditary sensory and autonomic neuropathy type IIC; KIF1A-Related HSAN2 (HSAN2C). Identifiers: Orphanet 970, MedGen C3280168, MONDO:0013634, OMIM 614213.
Intellectual disability, autosomal dominant 9 (NESCAVS). Also called: NESCAV SYNDROME; KIF1A-Related Neurodevelopmental Disorder. Identifiers: Orphanet 662367, MedGen C5393830, MONDO:0013656, OMIM 614255.

Submission:

Labcorp Genetics (formerly Invitae), Labcorp
Classification: Uncertain significance for Hereditary spastic paraplegia 30; Neuropathy, hereditary sensory, type 2C; Intellectual disability, autosomal dominant 9. Last evaluated: 2022-02-05. Review status: criteria provided, single submitter. Criteria: Invitae Variant Classification Sherloc (09022015). Collection method: clinical testing. Allele origin: germline.
Comment: In summary, the available evidence is currently insufficient to determine the role of this variant in disease. Therefore, it has been classified as a Variant of Uncertain Significance. Advanced modeling of protein sequence and biophysical properties (such as structural, functional, and spatial information, amino acid conservation, physicochemical variation, residue mobility, and thermodynamic stability) performed at Invitae indicates that this missense variant is not expected to disrupt KIF1A protein function. This variant has not been reported in the literature in individuals affected with KIF1A-related conditions. This variant is not present in population databases (gnomAD no frequency). This sequence change replaces aspartic acid, which is acidic and polar, with histidine, which is basic and polar, at codon 1419 of the KIF1A protein (p.Asp1419His).

NM_001244008.2(KIF1A):c.4558G>C (p.Asp1520His)

Gene: KIF1A (kinesin family member 1A; minus strand). Cytogenetic location: 2q37.3.
Variant type: single nucleotide variant.
Coding change: c.4558G>C on transcript NM_001244008.2 (MANE Select); coding-DNA position 4558, G replaced by C.
Protein change: p.Asp1520His; replaces aspartic acid 1520 with histidine.
Molecular consequence: missense variant.
Genome position (GRCh38, 1-based): chr2:240,722,563, C>G on the plus strand (G>C on the coding strand, the complement: KIF1A is on the minus strand). VCF-style: chr2-240722563-C-G. GRCh37 (hg19) VCF-style: chr2-241661980-C-G.
Other names: c.4282G>C, p.Asp1428His (NM_001320705.2, NM_001379649.1); c.4309G>C, p.Asp1437His (NM_001330289.2); c.4357G>C, p.Asp1453His (NM_001330290.2, NM_001379648.1); c.4633G>C, p.Asp1545His (NM_001379631.1); c.4534G>C, p.Asp1512His (NM_001379632.1); c.4531G>C, p.Asp1511His (NM_001379633.1, NM_001379645.1); c.4384G>C, p.Asp1462His (NM_001379634.1); c.4381G>C, p.Asp1461His (NM_001379635.1, NM_001379646.1); and 7 more; short protein forms D1427H, D1437H, D1453H, D1512H, D1418H, D1419H, D1444H, D1457H.
Identifiers: ClinVar variation 1412082 (VCV001412082.8), dbSNP rs2125598098, ClinGen allele CA351304151.